The following is an entry in ClinVar:

NM_001365276.2(TNXB):c.8336T>C (p.Val2779Ala)

Gene: TNXB (tenascin XB; minus strand). Cytogenetic location: 6p21.33.
Variant type: single nucleotide variant.
Coding change: c.8336T>C on transcript NM_001365276.2 (MANE Select); coding-DNA position 8336, T replaced by C.
Protein change: p.Val2779Ala; replaces valine 2779 with alanine.
Molecular consequence: missense variant.
Genome position (GRCh38, 1-based): chr6:32,055,982, A>G on the plus strand (T>C on the coding strand, the complement: TNXB is on the minus strand). VCF-style: chr6-32055982-A-G. GRCh37 (hg19) VCF-style: chr6-32023759-A-G.
Other names: c.8336T>C, p.Val2779Ala (NM_019105.8); short protein forms V2779A.
Identifiers: ClinVar variation 1762974 (VCV001762974.2), dbSNP rs368240991, ClinGen allele CA3733881.

ClinVar aggregate classification (germline): Uncertain significance (1 of 4 stars; one submission).

Conditions:
Cardiovascular phenotype. Identifiers: MedGen CN230736.

Allele frequency attached by ClinVar (database versions not stated): gnomAD exomes below 0.00001; ExAC 0.00001.
gnomAD v4.1: 4 of 1,613,226 alleles (0.00025%); highest among the groups gnomAD compares: African/African-American, 0.0013%; no homozygotes.

Submission:

Ambry Genetics
Classification: Uncertain significance for Cardiovascular phenotype. Last evaluated: 2021-09-09. Review status: criteria provided, single submitter. Criteria: Ambry Variant Classification Scheme 2023. Collection method: clinical testing. Allele origin: germline.
Comment: The p.V2779A variant (also known as c.8336T>C), located in coding exon 23 of the TNXB gene, results from a T to C substitution at nucleotide position 8336. The valine at codon 2779 is replaced by alanine, an amino acid with similar properties. This amino acid position is conserved. In addition, this alteration is predicted to be tolerated by in silico analysis. Since supporting evidence is limited at this time, the clinical significance of this alteration remains unclear.